The following is an entry in ClinVar:

NM_014991.6(WDFY3):c.8812G>A (p.Gly2938Ser)

Gene: WDFY3 (WD repeat and FYVE domain containing 3; minus strand). Cytogenetic location: 4q21.23.
Variant type: single nucleotide variant.
Coding change: c.8812G>A on transcript NM_014991.6 (MANE Select); coding-DNA position 8812, G replaced by A.
Protein change: p.Gly2938Ser; replaces glycine 2938 with serine.
Molecular consequence: missense variant.
Genome position (GRCh38, 1-based): chr4:84,696,059, C>T on the plus strand (G>A on the coding strand, the complement: WDFY3 is on the minus strand). VCF-style: chr4-84696059-C-T. GRCh37 (hg19) VCF-style: chr4-85617212-C-T.
Other names: short protein forms G2938S.
Identifiers: ClinVar variation 3906721 (VCV003906721.1).

ClinVar aggregate classification (germline): Uncertain significance (1 of 4 stars; one submission).

gnomAD v4.1: 1 of 1,614,038 alleles (0.000062%); no homozygotes.

Submission:

GeneDx
Classification: Uncertain significance. Last evaluated: 2024-12-16. Review status: criteria provided, single submitter. Criteria: GeneDx Variant Classification Process June 2021. Collection method: clinical testing. Allele origin: germline. Affected: yes.
Comment: Not observed at significant frequency in large population cohorts (gnomAD); In silico analysis supports that this missense variant has a deleterious effect on protein structure/function; Has not been previously published as pathogenic or benign to our knowledge